The following is an entry in ClinVar:

ClinVar aggregate classification (germline): Uncertain significance (1 of 4 stars; one submission).

Conditions:
Early-infantile DEE. Also called: Ohtahara syndrome; Early infantile epileptic encephalopathy with suppression bursts; Early infantile epileptic encephalopathy. Identifiers: Orphanet 1934, MedGen C0393706, MONDO:0800491.

gnomAD v4.1: 3 of 1,613,902 alleles (0.00019%); highest among the groups gnomAD compares: African/African-American, 0.004%; no homozygotes.

Submission:

Labcorp Genetics (formerly Invitae), Labcorp
Classification: Uncertain significance for Early-infantile DEE. Last evaluated: 2024-08-03. Review status: criteria provided, single submitter. Criteria: Invitae Variant Classification Sherloc (09022015). Collection method: clinical testing. Allele origin: germline.
Comment: This sequence change replaces glycine, which is neutral and non-polar, with valine, which is neutral and non-polar, at codon 830 of the ARHGEF15 protein (p.Gly830Val). This variant is present in population databases (rs145328839, gnomAD 0.03%). This variant has not been reported in the literature in individuals affected with ARHGEF15-related conditions. An algorithm developed to predict the effect of missense changes on protein structure and function (PolyPhen-2) suggests that this variant is likely to be tolerated. In summary, the available evidence is currently insufficient to determine the role of this variant in disease. Therefore, it has been classified as a Variant of Uncertain Significance.

NM_173728.4(ARHGEF15):c.2489G>T (p.Gly830Val)

Gene: ARHGEF15 (Rho guanine nucleotide exchange factor 15; plus strand). Cytogenetic location: 17p13.1.
Variant type: single nucleotide variant.
Coding change: c.2489G>T on transcript NM_173728.4 (MANE Select); coding-DNA position 2489, G replaced by T.
Protein change: p.Gly830Val; replaces glycine 830 with valine.
Molecular consequence: missense variant.
Genome position (GRCh38, 1-based): chr17:8,320,956, G>T. VCF-style: chr17-8320956-G-T. GRCh37 (hg19) VCF-style: chr17-8224274-G-T.
Other names: c.2489G>T, p.Gly830Val (NM_025014.2); short protein forms G830V.
Identifiers: ClinVar variation 3716435 (VCV003716435.2).